The following is an entry in ClinVar:

NM_000218.3(KCNQ1):c.1262_1265del (p.Lys421fs)

Gene: KCNQ1 (potassium voltage-gated channel subfamily Q member 1; plus strand). Cytogenetic location: 11p15.5.
Variant type: Deletion.
Coding change: c.1262_1265del on transcript NM_000218.3 (MANE Select); coding-DNA positions 1262 to 1265, 4 bases deleted (AAAA; older notation c.1262_1265delAAAA).
Protein change: p.Lys421fs; shifts the reading frame from lysine 421.
Molecular consequence: frameshift variant.
Genome position (GRCh38, 1-based): chr11:2,588,723-2,588,726, AAAA deleted; deleting any 4 consecutive bases within chr11:2,588,719-2,588,726 gives the same sequence; the c. name uses the placement nearest the transcript's 3' end. VCF-style (leftmost placement, unchanged base first): chr11-2588718-GAAAA-G. GRCh37 (hg19) VCF-style: chr11-2609948-GAAAA-G.
Other names: c.1166_1169delAAAA, p.Lys389Serfs (NM_001406836.1); c.992_995delAAAA, p.Lys331Serfs (NM_001406837.1); c.722_725delAAAA, p.Lys241Serfs (NM_001406838.1); c.881_884delAAAA, p.Lys294Serfs (NM_181798.2); short protein forms K294fs, K421fs.
Identifiers: ClinVar variation 930315 (VCV000930315.5), dbSNP rs397508083, ClinGen allele CA1139661779.

ClinVar aggregate classification (germline): Pathogenic (1 of 4 stars; one submission).

Conditions:
Long QT syndrome 1 (LQT1). Identifiers: Orphanet 101016, Orphanet 768, MedGen C4551647, MONDO:0100316, OMIM 192500, MONDO:0008646.

Submission:

Centre for Mendelian Genomics, University Medical Centre Ljubljana
Classification: Pathogenic for Long QT syndrome 1. Last evaluated: 2016-01-01. Review status: criteria provided, single submitter. Criteria: ACMG Guidelines, 2015. Collection method: clinical testing. Allele origin: unknown. Affected: yes.
Comment: This variant was classified as: Pathogenic. The following ACMG criteria were applied in classifying this variant: PVS1,PM2,PP4.